The following is an entry in ClinVar:

ClinVar aggregate classification (germline): Uncertain significance (1 of 4 stars; one submission).

gnomAD v4.1: 1 of 1,611,582 alleles (0.000062%); highest among the groups gnomAD compares: Admixed American, 0.0017%; no homozygotes.

Submission:

Labcorp Genetics (formerly Invitae), Labcorp
Classification: Uncertain significance. Last evaluated: 2025-01-14. Review status: criteria provided, single submitter. Criteria: Invitae Variant Classification Sherloc (09022015). Collection method: clinical testing. Allele origin: germline.
Comment: This sequence change falls in intron 3 of the CARMIL2 gene. It does not directly change the encoded amino acid sequence of the CARMIL2 protein. It affects a nucleotide within the consensus splice site. This variant is not present in population databases (gnomAD no frequency). This variant has not been reported in the literature in individuals affected with CARMIL2-related conditions. Variants that disrupt the consensus splice site are a relatively common cause of aberrant splicing (PMID: 17576681, 9536098). Algorithms developed to predict the effect of sequence changes on RNA splicing suggest that this variant may disrupt the consensus splice site. In summary, the available evidence is currently insufficient to determine the role of this variant in disease. Therefore, it has been classified as a Variant of Uncertain Significance.

Literature cited by the submitters: PubMed 17576681; PubMed 9536098.

NM_001013838.3(CARMIL2):c.186+5G>A

Gene: CARMIL2 (capping protein regulator and myosin 1 linker 2; plus strand). Cytogenetic location: 16q22.1.
Variant type: single nucleotide variant.
Coding change: c.186+5G>A on transcript NM_001013838.3 (MANE Select); 5 bases into the intron after coding-DNA position 186, G replaced by A.
Molecular consequence: intron variant.
Genome position (GRCh38, 1-based): chr16:67,645,782, G>A. VCF-style: chr16-67645782-G-A. GRCh37 (hg19) VCF-style: chr16-67679685-G-A.
Other names: c.186+5G>A (NM_001317026.3).
Identifiers: ClinVar variation 3670891 (VCV003670891.2).